The following is an entry in ClinVar:

NM_001904.4(CTNNB1):c.241+5G>C

Genes: CTNNB1 (catenin beta 1; plus strand), LOC126806658 (BRD4-independent group 4 enhancer GRCh37_chr3:41265899-41267098; plus strand). Cytogenetic location: 3p22.1.
Variant type: single nucleotide variant.
Coding change: c.241+5G>C on transcript NM_001904.4 (MANE Select); 5 bases into the intron after coding-DNA position 241, G replaced by C.
Molecular consequence: intron variant.
Genome position (GRCh38, 1-based): chr3:41,224,758, G>C. VCF-style: chr3-41224758-G-C. GRCh37 (hg19) VCF-style: chr3-41266249-G-C.
Other names: c.220+5G>C (NM_001330729.2); c.241+5G>C (NM_001098209.2, NM_001098210.2).
Identifiers: ClinVar variation 1522613 (VCV001522613.7), dbSNP rs2078134906, ClinGen allele CA1359758647.

ClinVar aggregate classification (germline): Uncertain significance (1 of 4 stars; one submission).

Allele frequency attached by ClinVar (database versions not stated): gnomAD exomes below 0.00001; TOPMed below 0.00001.
gnomAD v4.1: 3 of 1,612,712 alleles (0.00019%); highest among the groups gnomAD compares: Admixed American, 0.0017%; no homozygotes.

Submissions (2):

Labcorp Genetics (formerly Invitae), Labcorp
Classification: Uncertain significance. Last evaluated: 2022-08-16. Review status: criteria provided, single submitter. Criteria: Invitae Variant Classification Sherloc (09022015). Collection method: clinical testing. Allele origin: germline.
Comment: Variants that disrupt the consensus splice site are a relatively common cause of aberrant splicing (PMID: 17576681, 9536098). Algorithms developed to predict the effect of sequence changes on RNA splicing suggest that this variant is not likely to affect RNA splicing. In summary, the available evidence is currently insufficient to determine the role of this variant in disease. Therefore, it has been classified as a Variant of Uncertain Significance. ClinVar contains an entry for this variant (Variation ID: 1522613). This variant has not been reported in the literature in individuals affected with CTNNB1-related conditions. This variant is not present in population databases (gnomAD no frequency). This sequence change falls in intron 3 of the CTNNB1 gene. It does not directly change the encoded amino acid sequence of the CTNNB1 protein. It affects a nucleotide within the consensus splice site.

Dr. Peter K. Rogan Lab, Western University
No classification provided (evidence only). Condition: Thyroid cancer, nonmedullary, 1. Review status: no classification provided. Collection method: in vitro. Allele origin: not applicable. Functional consequence: retained intron. Not counted in ClinVar's aggregate classification.

Literature cited by the submitters: PubMed 17576681 (cited by Labcorp Genetics (formerly Invitae), Labcorp); PubMed 9536098 (cited by Labcorp Genetics (formerly Invitae), Labcorp).